The following is an entry in ClinVar:

NM_032520.5(GNPTG):c.73G>A (p.Ala25Thr)

Genes: GNPTG (N-acetylglucosamine-1-phosphate transferase subunit gamma; plus strand), LOC130058158 (ATAC-STARR-seq lymphoblastoid silent region 6972; plus strand). Cytogenetic location: 16p13.3.
Variant type: single nucleotide variant.
Coding change: c.73G>A on transcript NM_032520.5 (MANE Select); coding-DNA position 73, G replaced by A.
Protein change: p.Ala25Thr; replaces alanine 25 with threonine.
Molecular consequence: missense variant.
Genome position (GRCh38, 1-based): chr16:1,352,122, G>A. VCF-style: chr16-1352122-G-A. GRCh37 (hg19) VCF-style: chr16-1402123-G-A.
Other names: short protein forms A25T.
Identifiers: ClinVar variation 2199885 (VCV002199885.1), dbSNP rs967153657, ClinGen allele CA276642728.

ClinVar aggregate classification (germline): Uncertain significance (1 of 4 stars; one submission).

Allele frequency attached by ClinVar (database versions not stated): gnomAD exomes below 0.00001.

Submission:

Labcorp Genetics (formerly Invitae), Labcorp
Classification: Uncertain significance. Last evaluated: 2022-06-07. Review status: criteria provided, single submitter. Criteria: Invitae Variant Classification Sherloc (09022015). Collection method: clinical testing. Allele origin: germline.
Comment: This sequence change replaces alanine, which is neutral and non-polar, with threonine, which is neutral and polar, at codon 25 of the GNPTG protein (p.Ala25Thr). This variant is not present in population databases (gnomAD no frequency). This variant has not been reported in the literature in individuals affected with GNPTG-related conditions. Algorithms developed to predict the effect of missense changes on protein structure and function are either unavailable or do not agree on the potential impact of this missense change (SIFT: "Deleterious"; PolyPhen-2: "Not Available"; Align-GVGD: "Class C0"). In summary, the available evidence is currently insufficient to determine the role of this variant in disease. Therefore, it has been classified as a Variant of Uncertain Significance.